The following is an entry in ClinVar:

ClinVar aggregate classification (germline): Uncertain significance. Review status: criteria provided, multiple submitters, no conflicts (2 of 4 stars). 4 submissions from 4 submitters: Uncertain significance (4). Last evaluated 2025-06-06.

Conditions:
Familial cancer of breast. Also called: BREAST CANCER, FAMILIAL; Hereditary breast cancer; hereditary breast carcinoma. Identifiers: Orphanet 227535, MedGen C0346153, MONDO:0016419, OMIM 114480. Disease mechanism: loss of function.
Hereditary cancer-predisposing syndrome. Also called: Neoplastic Syndromes, Hereditary; Tumor predisposition; Hereditary Cancer Syndrome; Hereditary neoplastic syndrome. Identifiers: Orphanet 140162, MedGen C0027672, MeSH D009386, MONDO:0015356.

Submissions (4):

Quest Diagnostics Nichols Institute San Juan Capistrano
Classification: Uncertain significance. Last evaluated: 2025-06-06. Review status: criteria provided, single submitter. Criteria: Quest Diagnostics criteria. Collection method: clinical testing. Allele origin: unknown.
Comment: The CHEK2 c.605T>G (p.Phe202Cys) variant has not been reported in individuals with CHEK2-related conditions in the published literature. It also has not been reported in large, multi-ethnic general populations (Genome Aggregation Database). Analysis of this variant using bioinformatics tools for the prediction of the effect of amino acid changes on protein structure and function yielded predictions that this variant is benign. Based on the available information, we are unable to determine the clinical significance of this variant.

Ambry Genetics
Classification: Uncertain significance for Hereditary cancer-predisposing syndrome. Last evaluated: 2024-08-21. Review status: criteria provided, single submitter. Criteria: Ambry Variant Classification Scheme 2023. Collection method: clinical testing. Allele origin: germline.
Comment: The p.F202C variant (also known as c.605T>G), located in coding exon 4 of the CHEK2 gene, results from a T to G substitution at nucleotide position 605. The phenylalanine at codon 202 is replaced by cysteine, an amino acid with highly dissimilar properties. This amino acid position is well conserved in available vertebrate species. In addition, the in silico prediction for this alteration is inconclusive. Since supporting evidence is limited at this time, the clinical significance of this alteration remains unclear.

Color Diagnostics, LLC DBA Color Health
Classification: Uncertain significance for Hereditary cancer-predisposing syndrome. Last evaluated: 2024-03-06. Review status: criteria provided, single submitter. Criteria: ACMG Guidelines, 2015. Collection method: clinical testing. Allele origin: germline.
Comment: This missense variant replaces phenylalanine with cysteine at codon 202 of the CHEK2 protein. Computational prediction tool is inconclusive regarding the impact of this variant on protein structure and function (internally defined REVEL score threshold 0.5 < inconclusive < 0.7, PMID: 27666373). Splice site prediction tools suggest that this variant may not impact RNA splicing. To our knowledge, functional studies have not been performed for this variant. This variant has not been reported in individuals affected with hereditary cancer in the literature. This variant has not been identified in the general population by the Genome Aggregation Database (gnomAD). The available evidence is insufficient to determine the role of this variant in disease conclusively. Therefore, this variant is classified as a Variant of Uncertain Significance.

Labcorp Genetics (formerly Invitae), Labcorp
Classification: Uncertain significance for Familial cancer of breast. Last evaluated: 2023-05-17. Review status: criteria provided, single submitter. Criteria: Invitae Variant Classification Sherloc (09022015). Collection method: clinical testing. Allele origin: germline.
Comment: This variant is not present in population databases (gnomAD no frequency). This sequence change replaces phenylalanine, which is neutral and non-polar, with cysteine, which is neutral and slightly polar, at codon 202 of the CHEK2 protein (p.Phe202Cys). This variant has not been reported in the literature in individuals affected with CHEK2-related conditions. In summary, the available evidence is currently insufficient to determine the role of this variant in disease. Therefore, it has been classified as a Variant of Uncertain Significance. Algorithms developed to predict the effect of sequence changes on RNA splicing suggest that this variant may disrupt the consensus splice site. An algorithm developed to predict the effect of missense changes on protein structure and function (PolyPhen-2) suggests that this variant is likely to be tolerated. ClinVar contains an entry for this variant (Variation ID: 926938).

NM_007194.4(CHEK2):c.605T>G (p.Phe202Cys)

Gene: CHEK2 (checkpoint kinase 2; minus strand). Cytogenetic location: 22q12.1.
Variant type: single nucleotide variant.
Coding change: c.605T>G on transcript NM_007194.4 (MANE Select); coding-DNA position 605, T replaced by G.
Protein change: p.Phe202Cys; replaces phenylalanine 202 with cysteine.
Molecular consequence: missense variant. On other transcripts: 5 prime UTR variant (2), intron variant (1).
Genome position (GRCh38, 1-based): chr22:28,719,473, A>C on the plus strand (T>G on the coding strand, the complement: CHEK2 is on the minus strand). VCF-style: chr22-28719473-A-C. GRCh37 (hg19) VCF-style: chr22-29115461-A-C.
Other names: c.734T>G, p.Phe245Cys (NM_001005735.3, NM_001438294.1); c.-59T>G (NM_001257387.3, NM_001437942.1); c.698T>G, p.Phe233Cys (NM_001438293.1, NM_001438295.1); c.605T>G, p.Phe202Cys (NM_145862.3); c.482+5413T>G (NM_001349956.3); short protein forms F245C, F202C, F233C.
Identifiers: ClinVar variation 926938 (VCV000926938.17), dbSNP rs2053696167, ClinGen allele CA411105133.
Genomic context (GRCh38, chr22:28,719,473, plus strand): 5'-ATGATGTATTCATCTCTTAATGCCTTAGGATAAACTGACTGATCATCTACAGTCAGATCA[A>C]AAAAGACAAAAACTAAGGAAGAAAAGAGTAGAAATGGGTTTCATTAATTTATTCACAAGA-3'
Protein context (NP_009125.1, residues 192-212): SLSRNKVFVF[Phe202Cys]DLTVDDQSVY